The following is an entry in ClinVar:

ClinVar aggregate classification (germline): Uncertain significance (1 of 4 stars; one submission).

Conditions:
Spinocerebellar ataxia type 13 (SCA13). Also called: Spinocerebellar Ataxia Type13. Identifiers: Orphanet 98768, MedGen C1854488, MONDO:0011529, OMIM 605259.

Submission:

Juno Genomics, Hangzhou Juno Genomics, Inc
Classification: Uncertain significance for Spinocerebellar ataxia type 13. Review status: criteria provided, single submitter. Criteria: ACMG Guidelines, 2015. Collection method: clinical testing. Allele origin: germline.
Comment: Absent from controls (or at extremely low frequency if recessive) in Genome Aggregation Database.;Multiple lines of computational evidence support a deleterious effect on the gene or gene product.

NM_004977.3(KCNC3):c.1589C>A (p.Thr530Asn)

Gene: KCNC3 (potassium voltage-gated channel subfamily C member 3; minus strand). Cytogenetic location: 19q13.33.
Variant type: single nucleotide variant.
Coding change: c.1589C>A on transcript NM_004977.3 (MANE Select); coding-DNA position 1589, C replaced by A.
Protein change: p.Thr530Asn; replaces threonine 530 with asparagine.
Molecular consequence: missense variant.
Genome position (GRCh38, 1-based): chr19:50,323,364, G>T on the plus strand (C>A on the coding strand, the complement: KCNC3 is on the minus strand). VCF-style: chr19-50323364-G-T. GRCh37 (hg19) VCF-style: chr19-50826621-G-T.
Other names: c.1361C>A, p.Thr454Asn (NM_001372305.1); short protein forms T530N, T454N.
Identifiers: ClinVar variation 5006029 (VCV005006029.2).
Genomic context (GRCh38, chr19:50,323,364, plus strand): 5'-ATGGCCAGCGAATAGTACATGCCAAAGTTGTTGACAATGACGGGCACAGGCATGGCGATG[G>T]TCAGCACCCCCGCCAGGGCACACAGCGCCCCGACCAGCATCCCCGACCACGTCTTGGGGT-3'
Protein context (NP_004968.2, residues 520-540): GALCALAGVL[Thr530Asn]IAMPVPVIVN